The following is an entry in ClinVar:

ClinVar aggregate classification (germline): Uncertain significance (1 of 4 stars; one submission).

Conditions:
Cardiomyopathy (CMYO). Also called: Cardiomyopathies. Identifiers: Orphanet 167848, MedGen C0878544, MONDO:0004994, HP:0001638. Inheritance: Various modes of inheritance.

Submission:

All of Us Research Program, National Institutes of Health
Classification: Uncertain significance for Cardiomyopathy. Last evaluated: 2023-04-27. Review status: criteria provided, single submitter. Criteria: ACMG Guidelines, 2015. Collection method: clinical testing. Allele origin: germline. Inheritance: Autosomal dominant inheritance. Observed: 1 variant allele, 1 heterozygote.
Comment: This study involves interpretation of variants in research participants for the purpose of population health screening. Participant phenotype was not available at the time of variant classification. Additional details can be found in publication PMID: 35346344, PMCID: PMC8962531

NM_001276345.2(TNNT2):c.448A>C (p.Ile150Leu)

Gene: TNNT2 (troponin T2, cardiac type; minus strand). Cytogenetic location: 1q32.1.
Variant type: single nucleotide variant.
Coding change: c.448A>C on transcript NM_001276345.2 (MANE Select); coding-DNA position 448, A replaced by C.
Protein change: p.Ile150Leu; replaces isoleucine 150 with leucine.
Molecular consequence: missense variant.
Genome position (GRCh38, 1-based): chr1:201,364,339, T>G on the plus strand (A>C on the coding strand, the complement: TNNT2 is on the minus strand). VCF-style: chr1-201364339-T-G. GRCh37 (hg19) VCF-style: chr1-201333467-T-G.
Other names: c.448A>C, p.Ile150Leu (NM_000364.4, NM_001406723.1); c.418A>C, p.Ile140Leu (NM_001001430.3, NM_001001431.3, NM_001276347.2 and 3 more transcripts); c.403A>C, p.Ile135Leu (NM_001001432.3, NM_001406728.1); c.328A>C, p.Ile110Leu (NM_001276346.2); c.415A>C, p.Ile139Leu (NM_001406725.1); short protein forms I110L, I135L, I139L, I140L, I150L.
Identifiers: ClinVar variation 3070501 (VCV003070501.1), dbSNP rs762340105, ClinGen allele CA344205806.